The following is an entry in ClinVar:

NM_020884.7(MYH7B):c.3950A>C (p.Gln1317Pro)

Gene: MYH7B (myosin heavy chain 7B; plus strand). Cytogenetic location: 20q11.22.
Variant type: single nucleotide variant.
Coding change: c.3950A>C on transcript NM_020884.7 (MANE Select); coding-DNA position 3950, A replaced by C.
Protein change: p.Gln1317Pro; replaces glutamine 1317 with proline.
Molecular consequence: missense variant.
Genome position (GRCh38, 1-based): chr20:34,998,586, A>C. VCF-style: chr20-34998586-A-C. GRCh37 (hg19) VCF-style: chr20-33586389-A-C.
Other names: c.4076A>C (NM_020884.4); short protein forms Q1317P.
Identifiers: ClinVar variation 1430434 (VCV001430434.10), dbSNP rs773581831, ClinGen allele CA9827934.

ClinVar aggregate classification (germline): Uncertain significance. Review status: criteria provided, multiple submitters, no conflicts (2 of 4 stars). 2 submissions from 2 submitters: Uncertain significance (2). Last evaluated 2025-03-26.

Conditions:
MYH7B-related disorder. Also called: MYH7B-related condition.

Allele frequency attached by ClinVar (database versions not stated): ExAC 0.00003; gnomAD exomes 0.00003.
gnomAD v4.1: 65 of 1,613,440 alleles (0.004%); highest among the groups gnomAD compares: Non-Finnish European, 0.0053%; no homozygotes.

Submissions (2):

PreventionGenetics, part of Exact Sciences
Classification: Uncertain significance for MYH7B-related condition. Last evaluated: 2025-03-26. Review status: criteria provided, single submitter. Criteria: ACMG Guidelines, 2015. Collection method: clinical testing. Allele origin: germline.
Comment: The MYH7B c.4076A>C variant is predicted to result in the amino acid substitution p.Gln1359Pro. To our knowledge, this variant has not been reported in the literature. This variant is reported in 0.0062% of alleles in individuals of European (Non-Finnish) descent in gnomAD. At this time, the clinical significance of this variant is uncertain due to the absence of conclusive functional and genetic evidence.

Labcorp Genetics (formerly Invitae), Labcorp
Classification: Uncertain significance. Last evaluated: 2024-01-04. Review status: criteria provided, single submitter. Criteria: Invitae Variant Classification Sherloc (09022015). Collection method: clinical testing. Allele origin: germline.
Comment: This sequence change replaces glutamine, which is neutral and polar, with proline, which is neutral and non-polar, at codon 1359 of the MYH7B protein (p.Gln1359Pro). This variant is present in population databases (rs773581831, gnomAD 0.006%). This variant has not been reported in the literature in individuals affected with MYH7B-related conditions. ClinVar contains an entry for this variant (Variation ID: 1430434). Advanced modeling of protein sequence and biophysical properties (such as structural, functional, and spatial information, amino acid conservation, physicochemical variation, residue mobility, and thermodynamic stability) performed at Invitae indicates that this missense variant is expected to disrupt MYH7B protein function with a positive predictive value of 80%. In summary, the available evidence is currently insufficient to determine the role of this variant in disease. Therefore, it has been classified as a Variant of Uncertain Significance.